The following is an entry in ClinVar:

ClinVar aggregate classification (germline): Likely benign. Review status: criteria provided, multiple submitters, no conflicts (2 of 4 stars). 2 submissions from 2 submitters: Likely benign (2). Last evaluated 2023-12-13.

Conditions:
Cardiomyopathy (CMYO). Also called: Cardiomyopathies. Identifiers: Orphanet 167848, MedGen C0878544, MONDO:0004994, HP:0001638. Inheritance: Various modes of inheritance.
Hypertrophic cardiomyopathy. Also called: HYPERTROPHIC MYOCARDIOPATHY. Identifiers: Orphanet 217569, MedGen C0007194, MeSH D002312, MONDO:0005045, HP:0001639.

Allele frequency attached by ClinVar (database versions not stated): TOPMed 0.00002.
gnomAD v4.1: 4 of 1,614,160 alleles (0.00025%); highest among the groups gnomAD compares: Admixed American, 0.0017%; no homozygotes.

Submissions (2):

All of Us Research Program, National Institutes of Health
Classification: Likely benign for Cardiomyopathy. Last evaluated: 2023-12-13. Review status: criteria provided, single submitter. Criteria: ACMG Guidelines, 2015. Collection method: clinical testing. Allele origin: germline. Inheritance: Autosomal dominant inheritance. Observed: 2 variant alleles, 2 heterozygotes.
Comment: This study involves interpretation of variants in research participants for the purpose of population health screening. Participant phenotype was not available at the time of variant classification. Additional details can be found in publication PMID: 35346344, PMCID: PMC8962531

Labcorp Genetics (formerly Invitae), Labcorp
Classification: Likely benign for Hypertrophic cardiomyopathy. Last evaluated: 2022-11-08. Review status: criteria provided, single submitter. Criteria: Invitae Variant Classification Sherloc (09022015). Collection method: clinical testing. Allele origin: germline.

NM_000257.4(MYH7):c.2001C>G (p.Pro667=)

Gene: MYH7 (myosin heavy chain 7; minus strand). Cytogenetic location: 14q11.2.
Variant type: single nucleotide variant.
Coding change: c.2001C>G on transcript NM_000257.4 (MANE Select); coding-DNA position 2001, C replaced by G.
Protein change: p.Pro667=; no amino-acid change (proline 667 retained).
Molecular consequence: synonymous variant.
Genome position (GRCh38, 1-based): chr14:23,426,820, G>C on the plus strand (C>G on the coding strand, the complement: MYH7 is on the minus strand). VCF-style: chr14-23426820-G-C. GRCh37 (hg19) VCF-style: chr14-23896029-G-C.
Identifiers: ClinVar variation 454348 (VCV000454348.9), dbSNP rs748351798, ClinGen allele CA485623618.